The following is an entry in ClinVar:

NM_198253.3(TERT):c.-124C>T

Genes: TERT (telomerase reverse transcriptase; minus strand), LOC110806263 (TERT 5' regulatory region; plus strand). Cytogenetic location: 5p15.33.
Variant type: single nucleotide variant.
Coding change: c.-124C>T on transcript NM_198253.3 (MANE Select); 124 bases upstream of the start codon, C replaced by T.
Genome position (GRCh38, 1-based): chr5:1,295,113, G>A on the plus strand (C>T on the coding strand, the complement: TERT is on the minus strand). VCF-style: chr5-1295113-G-A. GRCh37 (hg19) VCF-style: chr5-1295228-G-A.
Identifiers: ClinVar variation 1299388 (VCV001299388.43), dbSNP rs1242535815, ClinGen allele CA557858711.
Genomic context (GRCh38, chr5:1,295,113, plus strand): 5'-CGCGCCGCGAGGAGAGGGCGGGGCCGCGGAAAGGAAGGGGAGGGGCTGGGAGGGCCCGGA[G>A]GGGGCTGGGCCGGGGACCCGGGAGGGGTCGGGACGGGGCGGGGTCCGCGCGGAGGAGGCG-3'

ClinVar aggregate classification (germline): Conflicting classifications of pathogenicity. Review status: criteria provided, conflicting classifications (1 of 4 stars). 8 submissions from 8 submitters: Likely pathogenic (4); Uncertain significance (1). 3 of the submissions do not count toward it. Last evaluated 2026-09-08.
ClinVar aggregate classification (somatic clinical impact): Tier I - Strong. Review status: criteria provided, single submitter (1 of 4 stars). 19 submissions from 1 submitter. 8 of the submissions do not count toward it. Last evaluated 2025-04-21.
ClinVar aggregate classification (oncogenicity): Oncogenic (1 of 4 stars; one submission).

Conditions:
Dyskeratosis congenita, autosomal dominant 2. Identifiers: MedGen C3151443, MONDO:0013521, OMIM 613989.
Malignant tumor of urinary bladder. Also called: Urinary Bladder Neoplasms; Urinary bladder cancer; Bladder cancer. Identifiers: MedGen C0005684, MONDO:0001187, OMIM 109800.
TERT-related disorder. Also called: TERT-related condition; TERT-related disorders.
Melanoma, cutaneous malignant, susceptibility to, 1 (CMM1). Also called: MELANOMA, MALIGNANT; B-K MOLE SYNDROME; DYSPLASTIC NEVUS SYNDROME, HEREDITARY; FAMILIAL ATYPICAL MOLE-MALIGNANT MELANOMA SYNDROME. Identifiers: Orphanet 618, MedGen C1835047, MONDO:0007963, OMIM 155600.
Diffuse pediatric-type high-grade glioma, H3-wildtype and IDH-wildtype. Identifiers: MedGen C5669918, MONDO:0858939.
Malignant glioma. Identifiers: MedGen C0555198, MONDO:0100342, MONDO:0015917.
Neuroblastoma (NB). Identifiers: Orphanet 635, MedGen C0027819, MeSH D009447, MONDO:0005072, HP:0003006.
Atypical teratoid rhabdoid tumor. Also called: Atypical teratoid/rhabdoid tumor. Identifiers: Orphanet 99966, MedGen C1266184, MONDO:0020560, HP:0034401.
Juvenile type testicular granulosa cell tumor. Identifiers: MedGen C1515285, MONDO:0003741, HP:0034380.
oligodendroglioma, 1p 19q codeleted.
Calcifying nested epithelial stromal tumor of the liver. Identifiers: MedGen C3472610, MONDO:0006122.
IDH-wildtype glioblastoma. Identifiers: MedGen CN372125, MONDO:0850335.
Hepatosplenic T-cell lymphoma. Identifiers: Orphanet 86882, MedGen C1333984, MONDO:0019474.
Ovarian sex cord-stromal tumor. Identifiers: MedGen C0600113, MONDO:0021657, HP:0031918.
Metastatic melanoma. Identifiers: MedGen C0278883, MONDO:0005191.
Medulloblastoma WNT activated. Identifiers: MedGen C4331965, MONDO:0850196.
Adenocarcinoma of the large intestine. Identifiers: MedGen C1319315, MONDO:0005008, HP:0040275.
Medulloblastoma SHH activated. Identifiers: MedGen C4330671, MONDO:0850197.
Sertoli-Leydig cell tumor. Identifiers: MedGen C0206723, MONDO:0002479.
Desmoplastic small round cell tumor (DSRCT). Identifiers: Orphanet 83469, MedGen C0281508, MONDO:0019373.
Pleomorphic xanthoastrocytoma (PXA). Identifiers: Orphanet 251607, MedGen C0334586, MONDO:0016690, HP:0033682.
Squamous cell carcinoma of the skin. Identifiers: MedGen C0553723, MONDO:0002529, HP:0006739.
Diffuse midline glioma, H3 K27M-mutant. Identifiers: MedGen C4289688, MONDO:0957196.
Neoplasm. Also called: Neoplasms; Neoplasm (disease); tumor. Identifiers: MedGen C0027651, MeSH D009369, MONDO:0005070, HP:0002664.

Submissions 1 to 7 of 28:

PreventionGenetics, part of Exact Sciences
Classification: Likely pathogenic for TERT-related condition. Last evaluated: 2026-09-08. Review status: criteria provided, single submitter. Criteria: ACMG Guidelines, 2015. Collection method: clinical testing. Allele origin: germline.
Comment: The TERT c.-124C>T variant is located in the 5' untranslated region. This variant is located in the promoter region of the TERT gene and has been shown to increase telomerase expression and activity (Maryoung et al. 2016. PubMed ID: 28192371; Panebianco et al. 2019. PubMed ID: 31408918). To our knowledge, this variant has not been reported as a germline variant in the literature. However, it has been reported in the blood as a somatic mosaic variant in 10% of patients with telomere biology disorders carrying a TERT germline loss-of-function variant on the other allele (Gutierrez-Rodrigues et al. 2019. PubMed ID: 30523342; Maryoung et al. 2016. PubMed ID: 28192371). These individuals present a phenotype that includes idiopathic pulmonary fibrosis, aplastic anemia, and cirrhosis. This variant has not been associated with malignant transformation or telomere elongation in these patients (Gutierrez-Rodrigues et al. 2021. PubMed ID: 34404533). In addition, this variant is often found as a somatic recurrent alteration in various tumors (Siraj et al. 2020. PubMed ID: 31669704; Boscolo-Rizzo et al. 2023. PubMed ID: 37075587; Zhao et al. 2024. PubMed ID: 38016019). The c.-124C>T variant is reported in 0.064% of alleles in individuals of East Asian descent in gnomAD and has conflicting interpretations in ClinVar, ranging from uncertain to pathogenic (Variation ID: 1299388). Therefore this variant is interpreted as likely pathogenic in the context of a somatic variant in various cancers and as a variant of uncertain significance for TERT-related disorders.

CeGaT Center for Human Genetics Tuebingen
Classification: Likely pathogenic. Last evaluated: 2025-09-01. Review status: criteria provided, single submitter. Criteria: CeGaT Center For Human Genetics Tuebingen Variant Classification Criteria Version 2. Collection method: clinical testing. Allele origin: germline. Affected: yes. Observed: 2 variant alleles.
Comment: TERT: PS3:Moderate, PS4:Moderate, PM1:Supporting, PM2:Supporting

Institute for Genomic Medicine (IGM) Clinical Laboratory, Nationwide Children's Hospital
Classification: Tier II - Potential for Ovarian sex cord-stromal tumor. Assertion type: diagnostic. Clinical significance: supports diagnosis. Last evaluated: 2025-06-10. Review status: criteria provided, single submitter. Criteria: AMP/ASCO/CAP Guidelines, 2017. Collection method: clinical testing. Allele origin: somatic. Affected: yes. Not counted in ClinVar's aggregate classification.
Comment: Variant has Tier II (potential) clinical significance as a diagnostic inclusion criterion in ovarian sex cord-stromal tumor, based on the following evidence: 1) Documented in one or more cancer databases (e.g., St. Jude Pecan, COSMIC, CIViC, OncoKB). 2) Information in the literature supports potential biologic effect of variant (PMIDs: 25977370, 37296851, 38016019). 3) Diagnostic significance based on multiple small studies (Evidence Level C). 4) Assists in diagnosis alone or along with other biomarkers based on small studies or few case reports (Evidence Level D; PMIDs: 31147264, 34103665, 37871653, 38053410).

Institute for Genomic Medicine (IGM) Clinical Laboratory, Nationwide Children's Hospital
Classification: Tier II - Potential for Medulloblastoma WNT activated. Assertion type: diagnostic. Clinical significance: supports diagnosis. Last evaluated: 2025-06-06. Review status: criteria provided, single submitter. Criteria: AMP/ASCO/CAP Guidelines, 2017. Collection method: clinical testing. Allele origin: somatic. Affected: yes. Not counted in ClinVar's aggregate classification.
Comment: Variant has Tier II (potential) clinical significance as a diagnostic inclusion criterion in medulloblastoma WNT activated, based on the following evidence: 1) Documented in one or more cancer databases (e.g., St. Jude Pecan, COSMIC, CIViC, OncoKB). 2) Information in the literature supports potential biologic effect of variant (PMID: 25977370). 3) Diagnostic significance based on multiple small studies (Evidence Level C; PMIDs: 24174164, 28726821, 24337442).

Institute for Genomic Medicine (IGM) Clinical Laboratory, Nationwide Children's Hospital
Classification: Tier II - Potential for Sertoli-Leydig cell tumor. Assertion type: diagnostic. Clinical significance: supports diagnosis. Last evaluated: 2025-05-15. Review status: criteria provided, single submitter. Criteria: AMP/ASCO/CAP Guidelines, 2017. Collection method: clinical testing. Allele origin: somatic. Affected: yes. Not counted in ClinVar's aggregate classification.
Comment: Variant has Tier II (potential) clinical significance as a diagnostic inclusion criterion in Sertoli-Leydig cell tumor, based on the following evidence: 1) Documented in one or more cancer databases (e.g., St. Jude Pecan, COSMIC, CIViC, OncoKB). 2) Information in the literature supports potential biologic effect of variant (PMID: 25977370). 3) Diagnostic significance based on multiple small studies (Evidence Level C; PMIDs: 39592485, 28481359, 31789679, 29449679).

Institute for Genomic Medicine (IGM) Clinical Laboratory, Nationwide Children's Hospital
Classification: Tier I - Strong for Neuroblastoma. Assertion type: diagnostic. Clinical significance: supports diagnosis. Last evaluated: 2025-04-21. Review status: criteria provided, single submitter. Criteria: AMP/ASCO/CAP Guidelines, 2017. Collection method: clinical testing. Allele origin: somatic. Affected: yes.
Comment: Variant has Tier I (strong) clinical significance as a diagnostic inclusion criterion in neuroblastoma, based on the following evidence: 1) Documented in one or more cancer databases (e.g., St. Jude Pecan, COSMIC, CIViC, OncoKB). 2) Appears in one or more well-established professional guidelines (e.g., World Health Organization [WHO]; National Comprehensive Cancer Network [NCCN]) as providing diagnostic, prognostic, or therapeutic information. 3) Information in the literature supports potential biologic effect of variant (PMID: 25977370). 4) Diagnostic for a specific tumor type/classification based on well-powered studies with expert-level consensus (Evidence Level B; PMIDs: 26171145, 32291317, 26466568, 33056981, 26523776, 30523111, 28284778).

Institute for Genomic Medicine (IGM) Clinical Laboratory, Nationwide Children's Hospital
Classification: Tier II - Potential for Atypical teratoid rhabdoid tumor. Assertion type: diagnostic. Clinical significance: supports diagnosis. Last evaluated: 2025-03-26. Review status: criteria provided, single submitter. Criteria: AMP/ASCO/CAP Guidelines, 2017. Collection method: clinical testing. Allele origin: somatic. Affected: yes. Not counted in ClinVar's aggregate classification.
Comment: Variant has Tier II (potential) clinical significance as a diagnostic inclusion criterion in atypical teratoid rhabdoid tumor, based on the following evidence: 1) Documented in one or more cancer databases (e.g., St. Jude Pecan, COSMIC, CIViC, OncoKB). 2) Information in the literature supports potential biologic effect of variant (PMID: 25977370). 3) Assists in diagnosis alone or along with other biomarkers based on small studies or few case reports (Evidence Level D; PMIDs: 25977370, 32226942).